The following is an entry in ClinVar:

NM_004260.4(RECQL4):c.2092C>T (p.Gln698Ter)

Gene: RECQL4 (RecQ like helicase 4; minus strand). Cytogenetic location: 8q24.3.
Variant type: single nucleotide variant.
Coding change: c.2092C>T on transcript NM_004260.4 (MANE Select); coding-DNA position 2092, C replaced by T.
Protein change: p.Gln698Ter; replaces glutamine 698 with a stop codon.
Molecular consequence: nonsense.
Genome position (GRCh38, 1-based): chr8:144,513,679, G>A on the plus strand (C>T on the coding strand, the complement: RECQL4 is on the minus strand). VCF-style: chr8-144513679-G-A. GRCh37 (hg19) VCF-style: chr8-145739063-G-A.
Other names: short protein forms Q698*.
Identifiers: ClinVar variation 1072762 (VCV001072762.5), dbSNP rs994355873, ClinGen allele CA372679986.

ClinVar aggregate classification (germline): Pathogenic (1 of 4 stars; one submission).

Conditions:
Baller-Gerold syndrome (BGS). Also called: CRANIOSYNOSTOSIS WITH RADIAL DEFECTS. Identifiers: Orphanet 1225, MedGen C0265308, MONDO:0009039, OMIM 218600.

gnomAD v4.1: 1 of 1,553,542 alleles (0.000064%); highest among the groups gnomAD compares: East Asian, 0.0024%; no homozygotes.

Submission:

Labcorp Genetics (formerly Invitae), Labcorp
Classification: Pathogenic for Baller-Gerold syndrome. Last evaluated: 2023-01-31. Review status: criteria provided, single submitter. Criteria: Invitae Variant Classification Sherloc (09022015). Collection method: clinical testing. Allele origin: germline.
Comment: This sequence change creates a premature translational stop signal (p.Gln698*) in the RECQL4 gene. It is expected to result in an absent or disrupted protein product. Loss-of-function variants in RECQL4 are known to be pathogenic (PMID: 12734318, 12952869). This variant is not present in population databases (gnomAD no frequency). This variant has not been reported in the literature in individuals affected with RECQL4-related conditions. ClinVar contains an entry for this variant (Variation ID: 1072762). For these reasons, this variant has been classified as Pathogenic.

Literature cited by the submitters: PubMed 12734318; PubMed 12952869.